The following is an entry in ClinVar:

ClinVar aggregate classification (germline): Conflicting classifications of pathogenicity. Review status: criteria provided, conflicting classifications (1 of 4 stars). 5 submissions from 5 submitters: Uncertain significance (3); Likely benign (2). Last evaluated 2025-01-13.

Conditions:
Multiple congenital anomalies-hypotonia-seizures syndrome 1 (MCAHS1). Also called: PIGN-CDG; Congenital disorder of glycosylation due to PIGN deficiency; GLYCOSYLPHOSPHATIDYLINOSITOL BIOSYNTHESIS DEFECT 3. Identifiers: Orphanet 280633, MedGen C3279775, MONDO:0013563, OMIM 614080.
Inborn genetic diseases. Identifiers: MedGen C0950123, MeSH D030342.

Allele frequency attached by ClinVar (database versions not stated): gnomAD 0.00005; TOPMed 0.00006; 1000 Genomes Project 30x 0.00016; 1000 Genomes Project 0.00020.
gnomAD v4.1: 72 of 1,612,726 alleles (0.0045%); highest among the groups gnomAD compares: South Asian, 0.012%; 1 homozygote.

Submissions (5):

Labcorp Genetics (formerly Invitae), Labcorp
Classification: Uncertain significance for Multiple congenital anomalies-hypotonia-seizures syndrome 1. Last evaluated: 2025-01-13. Review status: criteria provided, single submitter. Criteria: Invitae Variant Classification Sherloc (09022015). Collection method: clinical testing. Allele origin: germline.
Comment: This sequence change replaces valine, which is neutral and non-polar, with isoleucine, which is neutral and non-polar, at codon 445 of the PIGN protein (p.Val445Ile). This variant is present in population databases (rs187036839, gnomAD 0.007%). This variant has not been reported in the literature in individuals affected with PIGN-related conditions. ClinVar contains an entry for this variant (Variation ID: 586226). Invitae Evidence Modeling of protein sequence and biophysical properties (such as structural, functional, and spatial information, amino acid conservation, physicochemical variation, residue mobility, and thermodynamic stability) indicates that this missense variant is not expected to disrupt PIGN protein function with a negative predictive value of 80%. In summary, the available evidence is currently insufficient to determine the role of this variant in disease. Therefore, it has been classified as a Variant of Uncertain Significance.

Blueprint Genetics
Classification: Likely benign. Last evaluated: 2024-08-06. Review status: criteria provided, single submitter. Criteria: ACMG Guidelines, 2015. Collection method: clinical testing. Allele origin: germline.

GeneDx
Classification: Uncertain significance. Last evaluated: 2022-09-01. Review status: criteria provided, single submitter. Criteria: GeneDx Variant Classification Process June 2021. Collection method: clinical testing. Allele origin: germline. Affected: yes.
Comment: Not observed at significant frequency in large population cohorts (gnomAD); In silico analysis supports that this missense variant does not alter protein structure/function; Has not been previously published as pathogenic or benign to our knowledge

Ambry Genetics
Classification: Likely benign for Inborn genetic diseases. Last evaluated: 2021-12-14. Review status: criteria provided, single submitter. Criteria: Ambry Variant Classification Scheme 2023. Collection method: clinical testing. Allele origin: germline.

Athena Diagnostics
Classification: Uncertain significance. Last evaluated: 2017-09-28. Review status: criteria provided, single submitter. Criteria: Athena Diagnostics Criteria. Collection method: clinical testing. Allele origin: germline.

NM_176787.5(PIGN):c.1333G>A (p.Val445Ile)

Gene: PIGN (phosphatidylinositol glycan anchor biosynthesis class N; minus strand). Cytogenetic location: 18q21.33.
Variant type: single nucleotide variant.
Coding change: c.1333G>A on transcript NM_176787.5 (MANE Select); coding-DNA position 1333, G replaced by A.
Protein change: p.Val445Ile; replaces valine 445 with isoleucine.
Molecular consequence: missense variant.
Genome position (GRCh38, 1-based): chr18:62,113,235, C>T on the plus strand (G>A on the coding strand, the complement: PIGN is on the minus strand). VCF-style: chr18-62113235-C-T. GRCh37 (hg19) VCF-style: chr18-59780468-C-T.
Other names: c.1333G>A, p.Val445Ile (NM_012327.6); short protein forms V445I.
Identifiers: ClinVar variation 586226 (VCV000586226.12), dbSNP rs187036839, ClinGen allele CA8982329.
Genomic context (GRCh38, chr18:62,113,235, plus strand): 5'-ACTTGATGATCAACAAAGAGGCATAAGATATCCATCCCACAAAACCAATAACAACATTGA[C>T]GCCCAAAAAGAATCTGTCATATGTGTGATAATAGGACAATCCTTTCAATGCAAGATGAAT-3'
Protein context (NP_789744.1, residues 435-455): YHTYDRFFLG[Val445Ile]NVVIGFVGWI